The following is an entry in ClinVar:

NM_000352.6(ABCC8):c.942C>T (p.Phe314=)

Gene: ABCC8 (ATP binding cassette subfamily C member 8; minus strand). Cytogenetic location: 11p15.1.
Variant type: single nucleotide variant.
Coding change: c.942C>T on transcript NM_000352.6 (MANE Select); coding-DNA position 942, C replaced by T.
Protein change: p.Phe314=; no amino-acid change (phenylalanine 314 retained).
Molecular consequence: synonymous variant. On other transcripts: non-coding transcript variant (1).
Genome position (GRCh38, 1-based): chr11:17,460,557, G>A on the plus strand (C>T on the coding strand, the complement: ABCC8 is on the minus strand). VCF-style: chr11-17460557-G-A. GRCh37 (hg19) VCF-style: chr11-17482104-G-A.
Other names: c.942C>T, p.Phe314= (NM_001287174.3, NM_001351295.2); c.939C>T, p.Phe313= (NM_001351296.2, NM_001351297.2).
Identifiers: ClinVar variation 991058 (VCV000991058.12), dbSNP rs768582290, ClinGen allele CA5903721.

ClinVar aggregate classification (germline): Conflicting classifications of pathogenicity. Review status: criteria provided, conflicting classifications (1 of 4 stars). 5 submissions from 4 submitters: Uncertain significance (2); Likely benign (2). 1 of the submissions does not count toward it. Last evaluated 2026-02-16.

Conditions:
Hereditary hyperinsulinism.
Transitory neonatal diabetes mellitus. Also called: Transient neonatal diabetes mellitus. Identifiers: MedGen C0342273, MONDO:0020525, HP:0008255.
Maturity-onset diabetes of the young (MODY). Also called: Maturity onset diabetes mellitus in young. Identifiers: Orphanet 552, MedGen C0342276, MONDO:0018911, HP:0004904.

Allele frequency attached by ClinVar (database versions not stated): ExAC 0.00001; gnomAD exomes 0.00002; gnomAD 0.00003 and 0.00004; TOPMed 0.00004.
gnomAD v4.1: 37 of 1,613,936 alleles (0.0023%); highest among the groups gnomAD compares: African/African-American, 0.0053%; no homozygotes.

Submissions (5):

Women's Health and Genetics/Laboratory Corporation of America, LabCorp
Classification: Likely benign. Last evaluated: 2026-02-16. Review status: criteria provided, single submitter. Criteria: LabCorp Variant Classification Summary - May 2015. Collection method: clinical testing. Allele origin: germline.

Labcorp Genetics (formerly Invitae), Labcorp
Classification: Likely benign. Last evaluated: 2024-10-08. Review status: criteria provided, single submitter. Criteria: Invitae Variant Classification Sherloc (09022015). Collection method: clinical testing. Allele origin: germline.

Clinical Genomics, Uppaluri K&H Personalized Medicine Clinic
Classification: Uncertain significance for Maturity-onset diabetes of the young. Review status: criteria provided, single submitter. Criteria: K & H Uppaluri Personalized Medicine Clinic Variant Classification & Assertion Criteria_Updated V.1. Collection method: research. Allele origin: unknown. Inheritance: Somatic mutation.
Comment: Mutations in ABCC8 gene are associated with both neonatal diabetes mellitus as well as MODY. Patients with this mutation may have a better response to sulfonylureas. However, no sufficient evidence is found to ascertain the role of this particular variant ( rs768582290) in MODY yet.

Clinical Genomics, Uppaluri K&H Personalized Medicine Clinic
Classification: Uncertain significance for Transitory neonatal diabetes mellitus. Review status: criteria provided, single submitter. Criteria: K & H Uppaluri Personalized Medicine Clinic Variant Classification & Assertion Criteria_Updated V.1. Collection method: research. Allele origin: unknown. Inheritance: Somatic mutation.
Comment: Mutations in ABCC8 gene are associated with both neonatal diabetes mellitus as well as MODY. Patients with this mutation may have a better response to sulfonylureas. However, no sufficient evidence is found to ascertain the role of this particular variant ( rs768582290) in neonatal diabetes yet.

Natera, Inc.
Classification: Uncertain significance for Hereditary hyperinsulinism. Last evaluated: 2020-04-10. Review status: no assertion criteria provided. Collection method: clinical testing. Allele origin: germline. Not counted in ClinVar's aggregate classification.

Literature cited by the submitters: PubMed 16885549 (cited by Clinical Genomics, Uppaluri K&H Personalized Medicine Clinic); PubMed 21989597 (cited by Clinical Genomics, Uppaluri K&H Personalized Medicine Clinic); PubMed 27538677 (cited by Clinical Genomics, Uppaluri K&H Personalized Medicine Clinic); PubMed 18981553 (cited by Clinical Genomics, Uppaluri K&H Personalized Medicine Clinic); PubMed 32027066 (cited by Clinical Genomics, Uppaluri K&H Personalized Medicine Clinic); PubMed 16613899 (cited by Clinical Genomics, Uppaluri K&H Personalized Medicine Clinic); PubMed 18025408 (cited by Clinical Genomics, Uppaluri K&H Personalized Medicine Clinic); PubMed 32792356 (cited by Clinical Genomics, Uppaluri K&H Personalized Medicine Clinic).